The following is an entry in ClinVar:

NM_024757.5(EHMT1):c.136G>T (p.Ala46Ser)

Gene: EHMT1 (euchromatic histone lysine methyltransferase 1; plus strand). Cytogenetic location: 9q34.3.
Variant type: single nucleotide variant.
Coding change: c.136G>T on transcript NM_024757.5 (MANE Select); coding-DNA position 136, G replaced by T.
Protein change: p.Ala46Ser; replaces alanine 46 with serine.
Molecular consequence: missense variant.
Genome position (GRCh38, 1-based): chr9:137,716,676, G>T. VCF-style: chr9-137716676-G-T. GRCh37 (hg19) VCF-style: chr9-140611128-G-T.
Other names: c.136G>T, p.Ala46Ser (NM_001145527.2, NM_001354263.2, NM_001354611.2); c.43G>T, p.Ala15Ser (NM_001354259.2, NM_001354612.2); short protein forms A46S, A15S.
Identifiers: ClinVar variation 3655686 (VCV003655686.2).

ClinVar aggregate classification (germline): Uncertain significance (1 of 4 stars; one submission).

Conditions:
Kleefstra syndrome 1 (KLEFS1). Identifiers: Orphanet 261494, MedGen C0795833, MONDO:0027407, OMIM 610253.

Submission:

Labcorp Genetics (formerly Invitae), Labcorp
Classification: Uncertain significance for Kleefstra syndrome 1. Last evaluated: 2024-06-05. Review status: criteria provided, single submitter. Criteria: Invitae Variant Classification Sherloc (09022015). Collection method: clinical testing. Allele origin: germline.
Comment: This sequence change replaces alanine, which is neutral and non-polar, with serine, which is neutral and polar, at codon 46 of the EHMT1 protein (p.Ala46Ser). This variant is not present in population databases (gnomAD no frequency). This variant has not been reported in the literature in individuals affected with EHMT1-related conditions. An algorithm developed to predict the effect of missense changes on protein structure and function (PolyPhen-2) suggests that this variant is likely to be tolerated. In summary, the available evidence is currently insufficient to determine the role of this variant in disease. Therefore, it has been classified as a Variant of Uncertain Significance.